The following is an entry in ClinVar:

NM_001211.6(BUB1B):c.157A>G (p.Asn53Asp)

Gene: BUB1B (BUB1 mitotic checkpoint serine/threonine kinase B; plus strand). Cytogenetic location: 15q15.1.
Variant type: single nucleotide variant.
Coding change: c.157A>G on transcript NM_001211.6 (MANE Select); coding-DNA position 157, A replaced by G.
Protein change: p.Asn53Asp; replaces asparagine 53 with aspartic acid.
Molecular consequence: missense variant.
Genome position (GRCh38, 1-based): chr15:40,165,174, A>G. VCF-style: chr15-40165174-A-G. GRCh37 (hg19) VCF-style: chr15-40457375-A-G.
Other names: short protein forms N53D.
Identifiers: ClinVar variation 3483221 (VCV003483221.1).

ClinVar aggregate classification (germline): Uncertain significance (1 of 4 stars; one submission).

Conditions:
Inborn genetic diseases. Identifiers: MedGen C0950123, MeSH D030342.

gnomAD v4.1: 1 of 1,614,090 alleles (0.000062%); highest among the groups gnomAD compares: African/African-American, 0.0013%; no homozygotes.

Submission:

Ambry Genetics
Classification: Uncertain significance for Inborn genetic diseases. Last evaluated: 2024-10-24. Review status: criteria provided, single submitter. Criteria: Ambry Variant Classification Scheme 2023. Collection method: clinical testing. Allele origin: germline.
Comment: The p.N53D variant (also known as c.157A>G), located in coding exon 2 of the BUB1B gene, results from an A to G substitution at nucleotide position 157. The asparagine at codon 53 is replaced by aspartic acid, an amino acid with highly similar properties. This amino acid position is conserved. In addition, this alteration is predicted to be tolerated by in silico analysis. Based on the available evidence, the clinical significance of this variant remains unclear.